The following is an entry in ClinVar:

ClinVar aggregate classification (germline): Likely pathogenic (1 of 4 stars; one submission).

Conditions:
Glycogen storage disease, type II (IOPD). Also called: Pompe Disease; CARDIOMEGALIA GLYCOGENICA DIFFUSA; GLYCOGENOSIS, GENERALIZED, CARDIAC FORM; GSD II; POMPE DISEASE, INFANTILE-ONSET; GLYCOGEN STORAGE DISEASE II, INFANTILE-ONSET. Identifiers: Orphanet 365, MedGen C0017921, MONDO:0009290, OMIM 232300.

Submission:

Genomenon, Inc
Classification: Likely pathogenic for Glycogen storage disease, type II. Last evaluated: 2026-07-01. Review status: criteria provided, single submitter. Criteria: Genomenon Sequence Variant Interpretation Standards - Updated. Collection method: curation. Allele origin: germline. Affected: yes.
Comment: GAA p.Asn316Ser (c.947A>G) is a missense variant that changes the amino acid at codon 316 from Asparagine to Serine. This variant has been observed in at least one proband with a GAA-related disorder in the compound heterozygous and/or homozygous state (PMID:33073009;31899940). It is absent or not present at a significant frequency in gnomAD. In silico models predict that this variant is possibly or probably damaging. In conclusion, we classify GAA p.Asn316Ser (c.947A>G) as a likely pathogenic variant.

Literature cited by the submitters: PubMed 33073009; PubMed 31899940.

NM_000152.5(GAA):c.947A>G (p.Asn316Ser)

Gene: GAA (alpha glucosidase; plus strand). Cytogenetic location: 17q25.3.
Variant type: single nucleotide variant.
Coding change: c.947A>G on transcript NM_000152.5 (MANE Select); coding-DNA position 947, A replaced by G.
Protein change: p.Asn316Ser; replaces asparagine 316 with serine.
Molecular consequence: missense variant.
Genome position (GRCh38, 1-based): chr17:80,107,888, A>G. VCF-style: chr17-80107888-A-G. GRCh37 (hg19) VCF-style: chr17-78081687-A-G.
Other names: c.947A>G, p.Asn316Ser (NM_001079803.3, NM_001079804.3, NM_001406741.1 and 1 more transcripts); short protein forms N316S.
Identifiers: ClinVar variation 4876613 (VCV004876613.1).